The following is an entry in ClinVar:

ClinVar aggregate classification (germline): Uncertain significance. Review status: criteria provided, multiple submitters, no conflicts (2 of 4 stars). 3 submissions from 3 submitters: Uncertain significance (2). 1 of the submissions does not count toward it. Last evaluated 2025-11-09.

Conditions:
Inborn genetic diseases. Identifiers: MedGen C0950123, MeSH D030342.
Dyskeratosis congenita, autosomal recessive 5 (DKCB5). Identifiers: MedGen C3554656, MONDO:0014076, OMIM 615190.
Pulmonary fibrosis and/or bone marrow failure, Telomere-related, 3. Also called: PULMONARY FIBROSIS AND/OR BONE MARROW FAILURE SYNDROME, TELOMERE-RELATED, 3. Identifiers: Orphanet 2032, MedGen C4225346, MONDO:0014613, OMIM 616373.
Dyskeratosis congenita. Identifiers: Orphanet 1775, MedGen C0265965, MONDO:0015780.

Allele frequency attached by ClinVar (database versions not stated): ExAC 0.00001; gnomAD exomes 0.00001; TOPMed 0.00002.
gnomAD v4.1: 75 of 1,612,062 alleles (0.0047%); highest among the groups gnomAD compares: Non-Finnish European, 0.0062%; 1 homozygote.

Submissions (3):

Labcorp Genetics (formerly Invitae), Labcorp
Classification: Uncertain significance for Dyskeratosis congenita, autosomal recessive 5; Pulmonary fibrosis and/or bone marrow failure, Telomere-related, 3. Last evaluated: 2025-11-09. Review status: criteria provided, single submitter. Criteria: Invitae Variant Classification Sherloc (09022015). Collection method: clinical testing. Allele origin: germline.
Comment: This sequence change replaces tyrosine, which is neutral and polar, with phenylalanine, which is neutral and non-polar, at codon 1140 of the RTEL1 protein (p.Tyr1140Phe). This variant is present in population databases (rs200622914, gnomAD 0.003%). This variant has not been reported in the literature in individuals affected with RTEL1-related conditions. ClinVar contains an entry for this variant (Variation ID: 852319). An algorithm developed to predict the effect of missense changes on protein structure and function (PolyPhen-2) suggests that this variant is likely to be tolerated. In summary, the available evidence is currently insufficient to determine the role of this variant in disease. Therefore, it has been classified as a Variant of Uncertain Significance.

Ambry Genetics
Classification: Uncertain significance for Inborn genetic diseases. Last evaluated: 2024-04-04. Review status: criteria provided, single submitter. Criteria: Ambry Variant Classification Scheme 2023. Collection method: clinical testing. Allele origin: germline.
Comment: The p.Y1164F variant (also known as c.3491A>T), located in coding exon 32 of the RTEL1 gene, results from an A to T substitution at nucleotide position 3491. The tyrosine at codon 1164 is replaced by phenylalanine, an amino acid with highly similar properties. This amino acid position is conserved. In addition, this alteration is predicted to be tolerated by in silico analysis. Based on the available evidence, the clinical significance of this variant remains unclear.

Natera, Inc.
Classification: Uncertain significance for Dyskeratosis congenita. Last evaluated: 2020-09-10. Review status: no assertion criteria provided. Collection method: clinical testing. Allele origin: germline. Not counted in ClinVar's aggregate classification.

NM_001283009.2(RTEL1):c.3419A>T (p.Tyr1140Phe)

Genes: RTEL1-TNFRSF6B (RTEL1-TNFRSF6B readthrough (NMD candidate); plus strand), RTEL1 (regulator of telomere elongation helicase 1; plus strand). Cytogenetic location: 20q13.33.
Variant type: single nucleotide variant.
Coding change: c.3419A>T on transcript NM_001283009.2 (MANE Select); coding-DNA position 3419, A replaced by T.
Protein change: p.Tyr1140Phe; replaces tyrosine 1140 with phenylalanine.
Molecular consequence: missense variant. On other transcripts: non-coding transcript variant (1).
Genome position (GRCh38, 1-based): chr20:63,695,141, A>T. VCF-style: chr20-63695141-A-T. GRCh37 (hg19) VCF-style: chr20-62326494-A-T.
Other names: c.3491A>T (NM_032957.4); c.2750A>T, p.Tyr917Phe (NM_001283010.1); c.3419A>T, p.Tyr1140Phe (NM_016434.4); c.3491A>T, p.Tyr1164Phe (NM_032957.5); short protein forms Y1140F, Y1164F, Y917F.
Identifiers: ClinVar variation 852319 (VCV000852319.10), dbSNP rs200622914, ClinGen allele CA9966023.